The following is an entry in ClinVar:

NM_000157.4(GBA1):c.1448T>G (p.Leu483Arg)

Genes: GBA1 (glucosylceramidase beta 1; minus strand), LOC106627981 (GBA recombination region; plus strand). Cytogenetic location: 1q22.
Variant type: single nucleotide variant.
Coding change: c.1448T>G on transcript NM_000157.4 (MANE Select); coding-DNA position 1448, T replaced by G.
Protein change: p.Leu483Arg; replaces leucine 483 with arginine.
Molecular consequence: missense variant.
Genome position (GRCh38, 1-based): chr1:155,235,252, A>C on the plus strand (T>G on the coding strand, the complement: GBA1 is on the minus strand). VCF-style: chr1-155235252-A-C. GRCh37 (hg19) VCF-style: chr1-155205043-A-C.
Other names: c.1448T>G (NM_000157.3); c.1448T>G, p.Leu483Arg (NM_001005741.3, NM_001005742.3); c.1187T>G, p.Leu396Arg (NM_001171811.2); c.1301T>G, p.Leu434Arg (NM_001171812.2); short protein forms L483R, L434R, L396R.
Identifiers: ClinVar variation 93449 (VCV000093449.26), dbSNP rs421016, ClinGen allele CA16040607.

ClinVar aggregate classification (germline): Pathogenic/Likely pathogenic. Review status: criteria provided, multiple submitters, no conflicts (2 of 4 stars). 10 submissions from 10 submitters: Pathogenic (6); Likely pathogenic (3). 1 of the submissions does not count toward it. Last evaluated 2025-12-18.

Conditions:
GBA-related disorder. Also called: GBA-related disorders.
Gaucher disease type III. Also called: Gaucher Disease, Type 3; GAUCHER DISEASE, CHRONIC NEURONOPATHIC TYPE; GAUCHER DISEASE, JUVENILE AND ADULT, CEREBRAL; GAUCHER DISEASE, SUBACUTE NEURONOPATHIC TYPE; GD III; Subacute neuronopathic Gaucher's disease. Identifiers: Orphanet 355, Orphanet 77261, MedGen C0268251, MONDO:0009267, OMIM 231000.
Gaucher disease type I (GD1). Also called: ACID BETA-GLUCOSIDASE DEFICIENCY; GD 1; GAUCHER DISEASE, NONCEREBRAL JUVENILE; GBA DEFICIENCY; GD I; GLUCOCEREBROSIDASE DEFICIENCY. Identifiers: Orphanet 355, Orphanet 77259, MedGen C1961835, MONDO:0009265, OMIM 230800.
Gaucher disease type II (GD2). Also called: GAUCHER DISEASE, ACUTE NEURONOPATHIC TYPE; GD II; Acute neuronopathic Gaucher's disease; Type 2 Gaucher disease (Acute; Infantile). Identifiers: Orphanet 77260, MedGen C0268250, MONDO:0009266, OMIM 230900.
Gaucher disease-ophthalmoplegia-cardiovascular calcification syndrome. Also called: GAUCHER DISEASE, TYPE IIIC. Identifiers: Orphanet 2072, MedGen C1856476, MONDO:0009268, OMIM 231005.
Gaucher disease. Also called: Acute cerebral Gaucher disease; Cerebroside lipidosis syndrome; Gaucher splenomegaly; Sphingolipidosis 1; Glucocerebrosidosis; Glucosylceramidase deficiency. Identifiers: Orphanet 355, MedGen C0017205, MONDO:0018150.

Submissions (10):

Natera, Inc.
Classification: Pathogenic for Gaucher disease. Last evaluated: 2025-12-18. Review status: criteria provided, single submitter. Criteria: Natera Variant Classification Schema (03/2026). Collection method: clinical testing. Allele origin: germline.
Comment: The c.1448T>G variant in GBA1 is a missense variant predicted to cause substitution of leucine to arginine at amino acid 483. This variant is rare in the general population with a frequency below the threshold expected for the associated phenotype(s). This variant has been observed in one or more individuals affected with the associated recessive disease, as either homozygous or compound heterozygous with a second variant (PMID: 35242582, 27825739, 7655857, 31077260). A different variant at the same position has been determined to be Pathogenic or Likely Pathogenic. Computational prediction algorithms indicate this variant is likely to affect gene or protein function. Given the available evidence, this variant is classified as Pathogenic.

Labcorp Genetics (formerly Invitae), Labcorp
Classification: Pathogenic. Last evaluated: 2024-12-02. Review status: criteria provided, single submitter. Criteria: Invitae Variant Classification Sherloc (09022015). Collection method: clinical testing. Allele origin: germline.
Comment: This sequence change replaces leucine, which is neutral and non-polar, with arginine, which is basic and polar, at codon 483 of the GBA protein (p.Leu483Arg). This variant is present in population databases (rs421016, gnomAD 0.006%). This missense change has been observed in individual(s) with Gaucher disease (PMID: 7981693, 27825739). This variant is also known as L444R. ClinVar contains an entry for this variant (Variation ID: 93449). Invitae Evidence Modeling of protein sequence and biophysical properties (such as structural, functional, and spatial information, amino acid conservation, physicochemical variation, residue mobility, and thermodynamic stability) indicates that this missense variant is expected to disrupt GBA protein function with a positive predictive value of 80%. This variant disrupts the p.Leu483 amino acid residue in GBA. Other variant(s) that disrupt this residue have been determined to be pathogenic (PMID: 8294487, 15146461, 24020503, 26096741). This suggests that this residue is clinically significant, and that variants that disrupt this residue are likely to be disease-causing. For these reasons, this variant has been classified as Pathogenic.

GeneDx
Classification: Likely pathogenic. Last evaluated: 2024-09-12. Review status: criteria provided, single submitter. Criteria: GeneDx Variant Classification Process June 2021. Collection method: clinical testing. Allele origin: germline. Affected: yes.
Comment: In silico analysis supports that this missense variant has a deleterious effect on protein structure/function; Also known as p.(L444R); This variant is associated with the following publications: (PMID: 34951095, 34867278, 24278166, 10649495, 26043810, 28003644, RiboldiGM2019[review], 31912918, 27717005, 31077260, 35885615, 38053927, 25909086, 36256599, 36334031, 35242582, 36220738, 35562809, 32613234, 35639160, 38474117, 27825739, 7981693)

3billion
Classification: Pathogenic for Gaucher disease type III. Last evaluated: 2022-01-03. Review status: criteria provided, single submitter. Criteria: ACMG Guidelines, 2015. Collection method: clinical testing. Allele origin: germline. Affected: yes. Observed: 1 heterozygote.
Comment: Same nucleotide change resulting in same amino acid change has been previously reported as pathogenic/likely pathogenic with strong evidence (ClinVar ID: VCV000093449, PS1_S). A different missense change at the same codon has been reported as pathogenic/likely pathogenic with strong evidence (ClinVar ID: VCV000004288, PM5_M). In silico tool predictions suggest damaging effect of the variant on gene or gene product (REVEL: 0.891, 3CNET: 0.997, PP3_P). A missense variant is a common mechanism associated with Gaucher disease (PP2_P). It is observed at an extremely low frequency in the gnomAD v2.1.1 dataset (total allele frequency: 0.000008, PM2_M). Therefore, this variant is classified as pathogenic according to the recommendation of ACMG/AMP guideline.

Women's Health and Genetics/Laboratory Corporation of America, LabCorp
Classification: Pathogenic for Gaucher disease. Last evaluated: 2020-05-07. Review status: criteria provided, single submitter. Criteria: LabCorp Variant Classification Summary - May 2015. Collection method: clinical testing. Allele origin: germline. Inheritance: Autosomal recessive inheritance.
Comment: Variant summary: GBA c.1448T>G (p.Leu483Arg), also widely reported as p.Leu444Arg, results in a non-conservative amino acid change located in the Glycosyl hydrolase family 30, beta sandwich domain of the encoded protein sequence. Five of five in-silico tools predict a damaging effect of the variant on protein function. The variant allele was found at a frequency of 8e-06 in 250058 control chromosomes. c.1448T>G has been reported in the literature in multiple individuals affected with Gaucher Disease (example, Basgalupp_2018, Uchiyama_1994, Smith_2016, Wilke_2019) and in association with Parkinson disease among carriers of Gaucher Disease (example, Liu_2016). These data indicate that the variant is very likely to be associated with disease. To our knowledge, no experimental evidence demonstrating an impact on protein function has been reported. Three clinical diagnostic laboratories have submitted clinical-significance assessments for this variant to ClinVar after 2014 without evidence for independent evaluation. All laboratories classified the variant as pathogenic (n=1)/likely pathogenic (n=3). Based on the evidence outlined above, the variant was classified as pathogenic.

Broad Center for Mendelian Genomics, Broad Institute of MIT and Harvard
Classification: Likely pathogenic for Gaucher disease type I. Last evaluated: 2020-01-22. Review status: criteria provided, single submitter. Criteria: ACMG Guidelines, 2015. Collection method: curation. Allele origin: germline. Inheritance: Autosomal recessive inheritance.
Comment: The p.Leu483Arg variant in GBA has been reported in two Brazilian individuals with Gaucher disease (PMID: 27825739) and has been identified in 0.005% (1/18388) of East Asian chromosomes and 0.003% (1/34386) of Latino chromosomes by the Genome Aggregation Database (gnomAD; dbSNP rs421016). Although this variant has been seen in the general population, its frequency is low enough to be consistent with a recessive carrier frequency. This variant has also been reported in ClinVar (VariationID: 93449) as likely pathogenic by GeneDx, Integrated Genetics, and the Foundation for Research In Genetics and Endocrinology, and as pathogenic by EGL Genetic Diagnostics. Computational prediction tools and conservation analyses suggest that this variant may impact the protein, though this information is not predictive enough to determine pathogenicity. One additional pathogenic variant, resulting in a different amino acid change at the same position, p.Leu483Pro, has been reported in association with disease in ClinVar and the literature, supporting that a change at this position may not be tolerated (VariationID: 4288; PMID: 17427031, 23719189, 30662625, 28686011). The presence of this variant in combination with a reported pathogenic variant and in 2 individuals with Gaucher disease increases the likelihood that the p.Leu483Arg variant is pathogenic (VariationID: 4290, PMID: 27825739). In summary, although additional studies are required to fully establish its clinical significance, this variant is likely pathogenic. ACMG/AMP Criteria applied: PM2, PM5, PM3, PP3 (Richards 2015).

Eurofins Ntd Llc (ga)
Classification: Pathogenic. Last evaluated: 2013-09-18. Review status: criteria provided, single submitter. Criteria: EGL Classification Definitions 2015. Collection method: clinical testing. Allele origin: germline. Observed: 7 variant alleles, 6 heterozygotes, 1 homozygote.

Baylor Genetics
Classification: Likely pathogenic for Gaucher disease type I; Gaucher disease type II; Gaucher disease type III; Gaucher disease-ophthalmoplegia-cardiovascular calcification syndrome. Review status: criteria provided, single submitter. Criteria: ACMG Guidelines, 2015. Collection method: clinical testing. Allele origin: germline.

Rady Children's Institute for Genomic Medicine, Rady Children's Hospital San Diego
Classification: Pathogenic for GBA-related disorders. Review status: criteria provided, single submitter. Criteria: ACMG Guidelines, 2015. Collection method: clinical testing. Allele origin: germline. Affected: yes.
Comment: This variant is also referred to as L444R in the literature. It has been previously reported as a heterozygous and compound heterozygous change in patients with GBA-related disorders (PMID: 27825739, 7981693, 26043810, 31077260, 27717005). It is present in the heterozygous state in the gnomAD population database at a frequency of 0.0007% (2/250058) and thus is presumed to be rare. The c.1448T>G (p.Leu483Arg) variant affects a highly conserved amino acid and is predicted by multiple in silico tools to have a deleterious effect on protein function. Based on the available evidence, the c.1448T>G (p.Leu483Arg) variant is classified as Pathogenic.

Foundation for Research in Genetics and Endocrinology, FRIGE's Institute of Human Genetics
Classification: Likely pathogenic for Gaucher disease type II. Last evaluated: 2018-06-29. Review status: no assertion criteria provided. Collection method: clinical testing. Allele origin: germline. Inheritance: Autosomal recessive inheritance. Affected: yes. Observed: 1 variant allele, 1 compound heterozygote. Not counted in ClinVar's aggregate classification.
Comment: The observed variant c.1448T>G (p.Leu483Arg) was neither found in 1000 Genomes and ExAC databases. The in silico prediction of the given variant is disease causing by MutationTaster2, damaging by SIFT and probably damaging by PolyPhen2. This variant was detected as a compound heterozygous along with another variant c.1448T>C (p.Leu483Pro) in exon 10 of GBA gene. The variant c.1448T>C (p.Leu483Pro) has a minor allele frequency of 0.0034 in 1000 Genomes and 0.003099 in ExAC databases. Its dbSNP reference number is rs421016. The in silico prediction of the given variant is disease causing by MutationTaster2, damaging by SIFT and possibly damaging by PolyPhen2.

Literature cited by the submitters: PubMed 35242582 (cited by Natera, Inc.); PubMed 27825739 (cited by 4 submitters); PubMed 7655857 (cited by Natera, Inc.); PubMed 31077260 (cited by Natera, Inc. and Women's Health and Genetics/Laboratory Corporation of America, LabCorp); PubMed 7981693 (cited by Labcorp Genetics (formerly Invitae), Labcorp and Women's Health and Genetics/Laboratory Corporation of America, LabCorp); PubMed 8294487 (cited by Labcorp Genetics (formerly Invitae), Labcorp); PubMed 15146461 (cited by Labcorp Genetics (formerly Invitae), Labcorp); PubMed 24020503 (cited by Labcorp Genetics (formerly Invitae), Labcorp); PubMed 26096741 (cited by Labcorp Genetics (formerly Invitae), Labcorp); PubMed 27717005 (cited by Women's Health and Genetics/Laboratory Corporation of America, LabCorp); PubMed 26043810 (cited by Women's Health and Genetics/Laboratory Corporation of America, LabCorp).